The following is an entry in ClinVar:

NM_007327.4(GRIN1):c.461T>A (p.Met154Lys)

Gene: GRIN1 (glutamate ionotropic receptor NMDA type subunit 1; plus strand). Cytogenetic location: 9q34.3.
Variant type: single nucleotide variant.
Coding change: c.461T>A on transcript NM_007327.4 (MANE Select); coding-DNA position 461, T replaced by A.
Protein change: p.Met154Lys; replaces methionine 154 with lysine.
Molecular consequence: missense variant.
Genome position (GRCh38, 1-based): chr9:137,145,793, T>A. VCF-style: chr9-137145793-T-A. GRCh37 (hg19) VCF-style: chr9-140040245-T-A.
Other names: c.461T>A, p.Met154Lys (NM_000832.7, NM_001185090.2, NM_001185091.2 and 1 more transcripts); short protein forms M154K.
Identifiers: ClinVar variation 2835017 (VCV002835017.3), dbSNP rs2538533170, ClinGen allele CA375713964.

ClinVar aggregate classification (germline): Uncertain significance (1 of 4 stars; one submission).

Conditions:
Neurodevelopmental disorder with or without hyperkinetic movements and seizures, autosomal dominant. Also called: Intellectual disability, autosomal dominant 8. Identifiers: MedGen C3280282, MONDO:0013655, OMIM 614254.

Allele frequency attached by ClinVar (database versions not stated): gnomAD exomes below 0.00001.

Submission:

Labcorp Genetics (formerly Invitae), Labcorp
Classification: Uncertain significance for Neurodevelopmental disorder with or without hyperkinetic movements and seizures, autosomal dominant. Last evaluated: 2023-02-06. Review status: criteria provided, single submitter. Criteria: Invitae Variant Classification Sherloc (09022015). Collection method: clinical testing. Allele origin: germline.
Comment: This sequence change replaces methionine, which is neutral and non-polar, with lysine, which is basic and polar, at codon 154 of the GRIN1 protein (p.Met154Lys). In summary, the available evidence is currently insufficient to determine the role of this variant in disease. Therefore, it has been classified as a Variant of Uncertain Significance. Advanced modeling of protein sequence and biophysical properties (such as structural, functional, and spatial information, amino acid conservation, physicochemical variation, residue mobility, and thermodynamic stability) has been performed at Invitae for this missense variant, however the output from this modeling did not meet the statistical confidence thresholds required to predict the impact of this variant on GRIN1 protein function. This variant has not been reported in the literature in individuals affected with GRIN1-related conditions. This variant is not present in population databases (gnomAD no frequency).